The following is an entry in ClinVar:

NM_001291415.2(KDM6A):c.2067_2074del (p.Asn690fs)

Gene: KDM6A (lysine demethylase 6A; plus strand). Cytogenetic location: Xp11.3.
Variant type: Deletion.
Coding change: c.2067_2074del on transcript NM_001291415.2 (MANE Select); coding-DNA positions 2067 to 2074, 8 bases deleted (TAACTCCA; older notation c.2067_2074delTAACTCCA).
Protein change: p.Asn690fs; shifts the reading frame from asparagine 690.
Molecular consequence: frameshift variant. On other transcripts: non-coding transcript variant (1).
Genome position (GRCh38, 1-based): chrX:45,063,805-45,063,812, TAACTCCA deleted. VCF-style (leftmost placement, unchanged base first): chrX-45063804-CTAACTCCA-C. GRCh37 (hg19) VCF-style: chrX-44923049-CTAACTCCA-C.
Other names: c.1932_1939del, p.Asn645fs (NM_001291416.2); c.1776_1783del, p.Asn593fs (NM_001291417.2); c.1674_1681del, p.Asn559fs (NM_001291418.2); c.1023_1030del, p.Asn342fs (NM_001291421.2); c.1911_1918del, p.Asn638fs (NM_021140.4); short protein forms N638fs, N342fs, N645fs, N593fs, N559fs, N690fs.
Identifiers: ClinVar variation 817807 (VCV000817807.1), dbSNP rs1602822117, ClinGen allele CA915950953.

ClinVar aggregate classification (germline): Pathogenic (1 of 4 stars; one submission).

Submission:

GeneDx
Classification: Pathogenic. Last evaluated: 2018-09-24. Review status: criteria provided, single submitter. Criteria: GeneDx Variant Classification (06012015). Collection method: clinical testing. Allele origin: germline. Affected: yes.
Comment: The c.1911_1918delTAACTCCA variant in the KDM6A gene has not been reported previously as a pathogenic variant nor as a benign variant, to our knowledge. The c.1911_1918delTAACTCCA variant causes a frameshift starting with codon Asparagine 638, changes this amino acid to a Serine residue, and creates a premature Stop codon at position 15 of the new reading frame, denoted p.Asn638SerfsX15. This variant is predicted to cause loss of normal protein function either through protein truncation or nonsense-mediated mRNA decay. The c.1911_1918delTAACTCCA variant is not observed in large population cohorts (Lek et al., 2016). We interpret c.1911_1918delTAACTCCA as a pathogenic variant.